The following is an entry in ClinVar:

ClinVar aggregate classification (germline): Benign/Likely benign. Review status: criteria provided, multiple submitters, no conflicts (2 of 4 stars). 8 submissions from 8 submitters: Benign (5); Likely benign (1). 2 of the submissions do not count toward it. Last evaluated 2026-01-28.

Allele frequency attached by ClinVar (database versions not stated): 1000 Genomes Project 30x 0.03170; 1000 Genomes Project 0.03215; TOPMed 0.05340; ESP Exome Variant Server 0.05536; gnomAD 0.05785 and 0.05860; gnomAD exomes 0.05973 and 0.07318; ExAC 0.06196.
gnomAD v4.1: 115,002 of 1,609,878 alleles (7.1%); highest among the groups gnomAD compares: Non-Finnish European, 8.2%; 4,553 homozygotes.

Submissions (8):

Labcorp Genetics (formerly Invitae), Labcorp
Classification: Benign. Last evaluated: 2026-01-28. Review status: criteria provided, single submitter. Criteria: Invitae Variant Classification Sherloc (09022015). Collection method: clinical testing. Allele origin: germline.

ARUP Laboratories, Molecular Genetics and Genomics, ARUP Laboratories
Classification: Benign. Last evaluated: 2025-07-31. Review status: criteria provided, single submitter. Criteria: ARUP Molecular Germline Variant Investigation Process 2024. Collection method: clinical testing. Allele origin: germline.

Mayo Clinic Laboratories, Mayo Clinic
Classification: Benign. Last evaluated: 2022-05-16. Review status: criteria provided, single submitter. Criteria: ACMG Guidelines, 2015. Collection method: clinical testing. Allele origin: germline. Observed: 275 variant alleles.
Comment: BA1, BP4, BP7

GeneDx
Classification: Benign. Last evaluated: 2019-12-12. Review status: criteria provided, single submitter. Criteria: GeneDx Variant Classification Process June 2021. Collection method: clinical testing. Allele origin: germline. Affected: yes.
Comment: This variant is associated with the following publications: (PMID: 25525159, 19538529, 27884173, 27354418)

Breakthrough Genomics
Classification: Likely benign. Review status: criteria provided, single submitter. Criteria: ACMG Guidelines, 2015. Collection method: not provided. Allele origin: germline. Inheritance: Autosomal dominant inheritance. Affected: yes.

PreventionGenetics, part of Exact Sciences
Classification: Benign. Review status: criteria provided, single submitter. Criteria: ACMG Guidelines, 2015. Collection method: clinical testing. Allele origin: germline.

Diagnostic Laboratory, Department of Genetics, University Medical Center Groningen
Classification: Benign. Review status: no assertion criteria provided. Collection method: clinical testing. Allele origin: germline. Affected: yes. Study: VKGL Data-share Consensus. Not counted in ClinVar's aggregate classification.

Genome Diagnostics Laboratory, University Medical Center Utrecht
Classification: Benign. Review status: no assertion criteria provided. Collection method: clinical testing. Allele origin: germline. Affected: yes. Study: VKGL Data-share Consensus. Not counted in ClinVar's aggregate classification.

NM_001355436.2(SPTB):c.4564-4G>A

Gene: SPTB (spectrin beta, erythrocytic; minus strand). Cytogenetic location: 14q23.3.
Variant type: single nucleotide variant.
Coding change: c.4564-4G>A on transcript NM_001355436.2 (MANE Select); 4 bases into the intron before coding-DNA position 4564, G replaced by A.
Molecular consequence: intron variant.
Genome position (GRCh38, 1-based): chr14:64,775,407, C>T on the plus strand (G>A on the coding strand, the complement: SPTB is on the minus strand). VCF-style: chr14-64775407-C-T. GRCh37 (hg19) VCF-style: chr14-65242125-C-T.
Other names: p.?; c.4564-4G>A (NM_001024858.4, NM_001355437.2).
Identifiers: ClinVar variation 257121 (VCV000257121.35), dbSNP rs4902312, ClinGen allele CA7230249.